The following is an entry in ClinVar:

NM_000074.3(CD40LG):c.304_314del (p.Lys102fs)

Gene: CD40LG (CD40 ligand; plus strand). Cytogenetic location: Xq26.3.
Variant type: Deletion.
Coding change: c.304_314del on transcript NM_000074.3 (MANE Select); coding-DNA positions 304 to 314, 11 bases deleted (AAAGAGGAGAC).
Protein change: p.Lys102fs; shifts the reading frame from lysine 102.
Molecular consequence: frameshift variant.
Genome position (GRCh38, 1-based): chrX:136,654,388-136,654,398, AAAGAGGAGAC deleted; deleting any 11 consecutive bases within chrX:136,654,386-136,654,398 gives the same sequence; the c. name uses the placement nearest the transcript's 3' end. VCF-style (leftmost placement, unchanged base first): chrX-136654385-AACAAAGAGGAG-A. GRCh37 (hg19) VCF-style: chrX-135736544-AACAAAGAGGAG-A.
Other names: c.304_314delAAAGAGGAGAC (NM_000074.2); short protein forms K102fs.
Identifiers: ClinVar variation 566114 (VCV000566114.7), dbSNP rs1569376925, ClinGen allele CA891844010.

ClinVar aggregate classification (germline): Pathogenic (1 of 4 stars; one submission).

Conditions:
Hyper-IgM syndrome type 1. Also called: CD40 Ligand Deficiency; Hyper-IgM Immunodeficiency Syndrome, Type 1; X-linked hyper-IgM syndrome; Immunodeficiency, X-linked, with hyper-IgM. Identifiers: Orphanet 101088, MedGen C0398689, MONDO:0010626, OMIM 308230.

Submission:

Labcorp Genetics (formerly Invitae), Labcorp
Classification: Pathogenic for Hyper-IgM syndrome type 1. Last evaluated: 2020-09-09. Review status: criteria provided, single submitter. Criteria: Invitae Variant Classification Sherloc (09022015). Collection method: clinical testing. Allele origin: germline.
Comment: Loss-of-function variants in CD40LG are known to be pathogenic (PMID: 15319456). This variant has not been reported in the literature in individuals with CD40LG-related conditions. ClinVar contains an entry for this variant (Variation ID: 566114). This variant is not present in population databases (ExAC no frequency). This sequence change creates a premature translational stop signal (p.Lys102Glufs*7) in the CD40LG gene. It is expected to result in an absent or disrupted protein product. For these reasons, this variant has been classified as Pathogenic.

Literature cited by the submitters: PubMed 15319456.